The following is an entry in ClinVar:

NM_000108.5(DLD):c.1081A>G (p.Met361Val)

Gene: DLD (dihydrolipoamide dehydrogenase; plus strand). Cytogenetic location: 7q31.1.
Variant type: single nucleotide variant.
Coding change: c.1081A>G on transcript NM_000108.5 (MANE Select); coding-DNA position 1081, A replaced by G.
Protein change: p.Met361Val; replaces methionine 361 with valine.
Molecular consequence: missense variant.
Genome position (GRCh38, 1-based): chr7:107,917,307, A>G. VCF-style: chr7-107917307-A-G. GRCh37 (hg19) VCF-style: chr7-107557752-A-G.
Other names: c.784A>G, p.Met262Val (NM_001289750.1); c.1012A>G, p.Met338Val (NM_001289751.1); c.937A>G, p.Met313Val (NM_001289752.1); c.1081A>G (NM_000108.4); short protein forms M361V, M313V, M338V, M262V.
Identifiers: ClinVar variation 11972 (VCV000011972.11), dbSNP rs121964993, ClinGen allele CA256139.

ClinVar aggregate classification (germline): Conflicting classifications of pathogenicity. Review status: criteria provided, conflicting classifications (1 of 4 stars). 7 submissions from 7 submitters: Likely pathogenic (5); Uncertain significance (1). 1 of the submissions does not count toward it. Last evaluated 2026-06-10.

Conditions:
Pyruvate dehydrogenase E3 deficiency (DLDD). Also called: MAPLE SYRUP URINE DISEASE, TYPE III; Dihydrolipoamide Dehydrogenase Deficiency; DLD DEFICIENCY; E3 DEFICIENCY; Dihydrolipoamide Dehydrogenase (E3) Deficiency; Dihydrolipoamide Dehydrogenase E3 Deficiency. Identifiers: Orphanet 2394, Orphanet 765, MedGen C5574660, MONDO:0009529, OMIM 246900.

Allele frequency attached by ClinVar (database versions not stated): gnomAD exomes below 0.00001 and 0.00001; TOPMed below 0.00001; gnomAD 0.00003.
gnomAD v4.1: 23 of 1,614,150 alleles (0.0014%); highest among the groups gnomAD compares: Admixed American, 0.0017%; no homozygotes.

Submissions (7):

Myriad Genetics, Inc.
Classification: Uncertain significance for Pyruvate dehydrogenase E3 deficiency. Last evaluated: 2026-06-10. Review status: criteria provided, single submitter. Criteria: Myriad Autosomal Dominant, Autosomal Recessive and X-Linked Classification Criteria (2023). Collection method: clinical testing. Allele origin: unknown.
Comment: NM_000108.3(DLD):c.1081A>G(M361V) is a missense variant classified as a variant of uncertain significance in the context of dihydrolipoamide dehydrogenase deficiency. M361V has been observed in a case with relevant disease (PMID: 11687750). Relevant functional assessments of this variant are available in the literature (PMID: 21558426). Internal structural analysis of the variant is supportive of pathogenicity. M361V has been observed in referenced population frequency databases. In summary, there is insufficient evidence to classify NM_000108.3(DLD):c.1081A>G(M361V) as pathogenic or benign. Please note: this variant was assessed in the context of healthy population screening.

Natera, Inc.
Classification: Likely pathogenic for Maple syrup urine disease type 3. Last evaluated: 2025-01-14. Review status: criteria provided, single submitter. Criteria: Natera Variant Classification Schema (03/2026). Collection method: clinical testing. Allele origin: germline.
Comment: The c.1081A>G variant in DLD is a missense variant predicted to cause substitution of methionine to valine at amino acid 361. This variant is rare in the general population with a frequency below the threshold expected for the associated phenotype(s). This variant has been observed in one or more individuals affected with the associated recessive disease, as either homozygous or compound heterozygous with a second variant (PMID: 11687750). This variant has been identified in one or more affected individuals with a phenotype highly consistent with the associated gene (PMID: 11687750). Computational prediction algorithms indicate this variant is likely to affect gene or protein function. Given the available evidence, this variant is classified as Likely Pathogenic.

Labcorp Genetics (formerly Invitae), Labcorp
Classification: Likely pathogenic for Pyruvate dehydrogenase E3 deficiency. Last evaluated: 2024-08-14. Review status: criteria provided, single submitter. Criteria: Invitae Variant Classification Sherloc (09022015). Collection method: clinical testing. Allele origin: germline.
Comment: This sequence change replaces methionine, which is neutral and non-polar, with valine, which is neutral and non-polar, at codon 361 of the DLD protein (p.Met361Val). This variant is present in population databases (rs121964993, gnomAD 0.002%). This missense change has been observed in individual(s) with dihydrolipoamide dehydrogenase deficiency (PMID: 11687750). In at least one individual the data is consistent with being in trans (on the opposite chromosome) from a pathogenic variant. ClinVar contains an entry for this variant (Variation ID: 11972). Invitae Evidence Modeling of protein sequence and biophysical properties (such as structural, functional, and spatial information, amino acid conservation, physicochemical variation, residue mobility, and thermodynamic stability) indicates that this missense variant is expected to disrupt DLD protein function with a positive predictive value of 80%. In summary, the currently available evidence indicates that the variant is pathogenic, but additional data are needed to prove that conclusively. Therefore, this variant has been classified as Likely Pathogenic.

Fulgent Genetics
Classification: Likely pathogenic for Pyruvate dehydrogenase E3 deficiency. Last evaluated: 2024-03-25. Review status: criteria provided, single submitter. Criteria: ACMG Guidelines, 2015. Collection method: clinical testing. Allele origin: germline.

Baylor Genetics
Classification: Likely pathogenic for Pyruvate dehydrogenase E3 deficiency. Last evaluated: 2024-03-20. Review status: criteria provided, single submitter. Criteria: ACMG Guidelines, 2015. Collection method: clinical testing. Allele origin: unknown.

Juno Genomics, Hangzhou Juno Genomics, Inc
Classification: Likely pathogenic for Pyruvate dehydrogenase E3 deficiency. Review status: criteria provided, single submitter. Criteria: ACMG Guidelines, 2015. Collection method: clinical testing. Allele origin: germline. Affected: yes.
Comment: Absent from controls (or at extremely low frequency if recessive) in Genome Aggregation Database, Exome Sequencing Project, 1000 Genomes Project, or Exome Aggregation Consortium.;Multiple lines of computational evidence support a deleterious effect on the gene or gene product (conservation, evolutionary, splicing impact, etc).;For recessive disorders, detected in trans with a pathogenic variant.;Patient's phenotype or family history is highly specific for a disease with a single genetic etiology.

OMIM
Classification: Pathogenic for DIHYDROLIPOAMIDE DEHYDROGENASE DEFICIENCY. Last evaluated: 2001-11-01. Review status: no assertion criteria provided. Collection method: literature only. Allele origin: germline. Not counted in ClinVar's aggregate classification.

Literature cited by the submitters: PubMed 11687750 (cited by 4 submitters); PubMed 21558426 (cited by Myriad Genetics, Inc.).